The following is an entry in ClinVar:

ClinVar aggregate classification (germline): Pathogenic (1 of 4 stars; one submission).

Conditions:
Deficiency of malonyl-CoA decarboxylase. Also called: Malonic aciduria; MCD deficiency. Identifiers: Orphanet 943, MedGen C0342793, MONDO:0009556, OMIM 248360.

Allele frequency attached by ClinVar (database versions not stated): TOPMed 0.00001.

Submission:

Labcorp Genetics (formerly Invitae), Labcorp
Classification: Pathogenic for Deficiency of malonyl-CoA decarboxylase. Last evaluated: 2023-12-02. Review status: criteria provided, single submitter. Criteria: Invitae Variant Classification Sherloc (09022015). Collection method: clinical testing. Allele origin: germline.
Comment: This sequence change affects the initiator methionine of the MLYCD mRNA. The next in-frame methionine is located at codon 40. This variant is not present in population databases (gnomAD no frequency). Disruption of the initiator codon has been observed in individual(s) with biochemical features of MLYCD-related disorders (PMID: 24613099, 32602666; Invitae). In at least one individual the data is consistent with being in trans (on the opposite chromosome) from a pathogenic variant. Algorithms developed to predict the effect of variants on protein structure and function are not available or were not evaluated for this variant. Experimental studies have shown that disruption of the initiator codon affects MLYCD function (PMID: 24613099). For these reasons, this variant has been classified as Pathogenic.

Literature cited by the submitters: PubMed 24613099; PubMed 32602666.

NM_012213.3(MLYCD):c.2T>C (p.Met1Thr)

Genes: MLYCD (malonyl-CoA decarboxylase; plus strand), LOC130059554 (ATAC-STARR-seq lymphoblastoid silent region 7769; plus strand). Cytogenetic location: 16q23.3.
Variant type: single nucleotide variant.
Coding change: c.2T>C on transcript NM_012213.3 (MANE Select); coding-DNA position 2, T replaced by C.
Protein change: p.Met1Thr; changes the start codon (methionine 1).
Molecular consequence: missense variant, initiator codon variant.
Genome position (GRCh38, 1-based): chr16:83,899,146, T>C. VCF-style: chr16-83899146-T-C. GRCh37 (hg19) VCF-style: chr16-83932751-T-C.
Other names: short protein forms M1T.
Identifiers: ClinVar variation 2705148 (VCV002705148.3), dbSNP rs1324491526, ClinGen allele CA396917450.